The following is an entry in ClinVar:

NM_015629.4(PRPF31):c.373C>G (p.Leu125Val)

Genes: PRPF31 (pre-mRNA processing factor 31; plus strand), PRPF31-AS1 (PRPF31 antisense RNA 1; minus strand). Cytogenetic location: 19q13.42.
Variant type: single nucleotide variant.
Coding change: c.373C>G on transcript NM_015629.4 (MANE Select); coding-DNA position 373, C replaced by G.
Protein change: p.Leu125Val; replaces leucine 125 with valine.
Molecular consequence: missense variant.
Genome position (GRCh38, 1-based): chr19:54,122,547, C>G. VCF-style: chr19-54122547-C-G. GRCh37 (hg19) VCF-style: chr19-54625926-C-G.
Other names: short protein forms L125V.
Identifiers: ClinVar variation 636189 (VCV000636189.9), dbSNP rs376246791, ClinGen allele CA309323981.

ClinVar aggregate classification (germline): Uncertain significance. Review status: criteria provided, multiple submitters, no conflicts (2 of 4 stars). 3 submissions from 3 submitters: Uncertain significance (2). 1 of the submissions does not count toward it. Last evaluated 2025-09-13.

Conditions:
Retinal dystrophy. Also called: Inherited retinal dystrophy. Identifiers: Orphanet 71862, MedGen C0854723, MeSH D058499, MONDO:0019118, HP:0000556.

Allele frequency attached by ClinVar (database versions not stated): ExAC 0.00001; gnomAD 0.00001; gnomAD exomes 0.00001; TOPMed 0.00003; ESP Exome Variant Server 0.00008.

Submissions (3):

Labcorp Genetics (formerly Invitae), Labcorp
Classification: Uncertain significance. Last evaluated: 2025-09-13. Review status: criteria provided, single submitter. Criteria: Invitae Variant Classification Sherloc (09022015). Collection method: clinical testing. Allele origin: germline.
Comment: This sequence change replaces leucine, which is neutral and non-polar, with valine, which is neutral and non-polar, at codon 125 of the PRPF31 protein (p.Leu125Val). This variant is present in population databases (rs376246791, gnomAD 0.002%). This missense change has been observed in individuals with retinal dystrophy and/or retinitis pigmentosa (PMID: 30718709, 36164253; internal data). ClinVar contains an entry for this variant (Variation ID: 636189). An algorithm developed to predict the effect of missense changes on protein structure and function (PolyPhen-2) suggests that this variant is likely to be disruptive. In summary, the available evidence is currently insufficient to determine the role of this variant in disease. Therefore, it has been classified as a Variant of Uncertain Significance.

Blueprint Genetics
Classification: Uncertain significance. Last evaluated: 2021-10-11. Review status: criteria provided, single submitter. Criteria: ACMG Guidelines, 2015. Collection method: clinical testing. Allele origin: germline.

Department of Clinical Genetics, Copenhagen University Hospital, Rigshospitalet
Classification: Uncertain significance for Retinal dystrophy. Last evaluated: 2018-04-01. Review status: no assertion criteria provided. Collection method: research. Allele origin: unknown. Affected: yes. Study: VeluxRD. Not counted in ClinVar's aggregate classification.

Literature cited by the submitters: PubMed 30718709 (cited by Labcorp Genetics (formerly Invitae), Labcorp and Department of Clinical Genetics, Copenhagen University Hospital, Rigshospitalet); PubMed 36164253 (cited by Labcorp Genetics (formerly Invitae), Labcorp).